The following is an entry in ClinVar:

NM_001099922.3(ALG13):c.1729+5G>A

Gene: ALG13 (ALG13 UDP-N-acetylglucosaminyltransferase subunit; plus strand). Cytogenetic location: Xq23.
Variant type: single nucleotide variant.
Coding change: c.1729+5G>A on transcript NM_001099922.3 (MANE Select); 5 bases into the intron after coding-DNA position 1729, G replaced by A.
Molecular consequence: intron variant.
Genome position (GRCh38, 1-based): chrX:111,725,066, G>A. VCF-style: chrX-111725066-G-A. GRCh37 (hg19) VCF-style: chrX-110968294-G-A.
Other names: c.1417+5G>A (NM_001257237.2, NM_001257234.2, NM_001257230.2); c.1243+5G>A (NM_001324293.1); c.1495+5G>A (NM_001257231.2); c.1729+5G>A (NM_001324292.2).
Identifiers: ClinVar variation 4701068 (VCV004701068.1).
Genomic context (GRCh38, chrX:111,725,066, plus strand): 5'-CAGTCGGAAAGGAAGAGGTTACCAGAAAATGCCTGGGGGTTATGTCCCGGAAATAGGTTT[G>A]TATGCTAAAGGTTGTTATTTTGTTTTTCCCTTCCTGTACCTGCTTTTACTTACCTGCATT-3'

ClinVar aggregate classification (germline): Uncertain significance (1 of 4 stars; one submission).

Conditions:
Developmental and epileptic encephalopathy, 36 (DEE36). Also called: Epileptic encephalopathy, early infantile, 36; ALG13-CDG; Congenital disorder of glycosylation, type Is. Identifiers: Orphanet 324422, MedGen C4317295, MONDO:0010472, OMIM 300884.

gnomAD v4.1: 2 of 1,209,115 alleles (0.00017%); highest among the groups gnomAD compares: South Asian, 0.0036%; no homozygotes.

Submission:

Labcorp Genetics (formerly Invitae), Labcorp
Classification: Uncertain significance for Developmental and epileptic encephalopathy, 36. Last evaluated: 2025-05-17. Review status: criteria provided, single submitter. Criteria: Invitae Variant Classification Sherloc (09022015). Collection method: clinical testing. Allele origin: germline.
Comment: This sequence change falls in intron 15 of the ALG13 gene. It does not directly change the encoded amino acid sequence of the ALG13 protein. It affects a nucleotide within the consensus splice site. This variant is present in population databases (no rsID available, gnomAD 0.01%). This variant has not been reported in the literature in individuals affected with ALG13-related conditions. Variants that disrupt the consensus splice site are a relatively common cause of aberrant splicing (PMID: 17576681, 9536098). Algorithms developed to predict the effect of sequence changes on RNA splicing suggest that this variant may disrupt the consensus splice site. In summary, the available evidence is currently insufficient to determine the role of this variant in disease. Therefore, it has been classified as a Variant of Uncertain Significance.

Literature cited by the submitters: PubMed 17576681; PubMed 9536098.